The following is an entry in ClinVar:

ClinVar aggregate classification (germline): Uncertain significance. Review status: criteria provided, multiple submitters, no conflicts (2 of 4 stars). 6 submissions from 6 submitters: Uncertain significance (6). Last evaluated 2026-09-08.

Conditions:
Cardiovascular phenotype. Identifiers: MedGen CN230736.
GLA-related disorder. Also called: GLA-related condition.
Cardiomyopathy (CMYO). Also called: Cardiomyopathies. Identifiers: Orphanet 167848, MedGen C0878544, MONDO:0004994, HP:0001638. Inheritance: Various modes of inheritance.
Fabry disease. Also called: Ceramide trihexosidosis; Fabry's disease; ALPHA-GALACTOSIDASE A DEFICIENCY; ANDERSON-FABRY DISEASE; CERAMIDE TRIHEXOSIDASE DEFICIENCY; GLA DEFICIENCY. Identifiers: Orphanet 324, MedGen C0002986, MONDO:0010526, OMIM 301500, HP:0001071. Disease mechanism: Fabry disease is due to inactivating mutations in the X-linked GLA gene resulting in deficiency of the enzyme Alpha Galactosidase-A., loss of function.

Allele frequency attached by ClinVar (database versions not stated): gnomAD exomes below 0.00001 and 0.00003; ExAC 0.00003.
gnomAD v4.1: 4 of 1,192,623 alleles (0.00034%); highest among the groups gnomAD compares: East Asian, 0.012%; no homozygotes.

Submissions (6):

Genomenon, Inc
Classification: Uncertain significance for Fabry disease. Last evaluated: 2026-09-08. Review status: criteria provided, single submitter. Criteria: Genomenon Sequence Variant Interpretation Standards - Updated. Collection method: curation. Allele origin: germline. Affected: no.
Comment: GLA p.Ser201Ala (c.601T>G) is a missense variant that changes the amino acid at codon 201 from Serine to Alanine. This variant has been reported in the published literature (PMID:37441486). This variant is located in a mutational hotspot and/or important functional domain. It is absent or not present at a significant frequency in gnomAD. In silico models predict that this variant is possibly or probably damaging. In conclusion, we classify GLA p.Ser201Ala (c.601T>G) as a variant of uncertain significance.

PreventionGenetics, part of Exact Sciences
Classification: Uncertain significance for GLA-related condition. Last evaluated: 2026-07-07. Review status: criteria provided, single submitter. Criteria: ACMG Guidelines, 2015. Collection method: clinical testing. Allele origin: germline.
Comment: The GLA c.601T>G variant is predicted to result in the amino acid substitution p.Ser201Ala. To our knowledge, this variant has not been reported in the literature in individuals with GLA-related disorders. Alternate missense changes at the same amino acid position (p.Ser201Tyr, p.Ser201Phe) have been reported in individuals affected with Fabry disease (Shabbeer et al. 2005. PubMed ID: 15712228; Shabbeer et al. 2006. PubMed ID: 16595074). This p.Ser201Ala variant is reported in 0.036% of alleles in individuals of East Asian descent in gnomAD. At this time, the clinical significance of this variant is uncertain due to the absence of conclusive functional and genetic evidence.

Color Diagnostics, LLC DBA Color Health
Classification: Uncertain significance for Fabry disease. Last evaluated: 2025-07-22. Review status: criteria provided, single submitter. Criteria: ACMG Guidelines, 2015. Collection method: clinical testing. Allele origin: germline.
Comment: This missense variant replaces serine with alanine at codon 201 of the GLA protein. Computational prediction suggests that this variant may have a deleterious impact on protein structure and function. To our knowledge, functional studies have not been reported for this variant. This variant has not been reported in individuals affected with GLA-related disorders in the literature. This variant has been identified in 5/181798 chromosomes in the general population by the Genome Aggregation Database (gnomAD). The available evidence is insufficient to determine the role of this variant in disease conclusively. Therefore, this variant is classified as a Variant of Uncertain Significance.

Labcorp Genetics (formerly Invitae), Labcorp
Classification: Uncertain significance for Fabry disease. Last evaluated: 2025-01-14. Review status: criteria provided, single submitter. Criteria: Invitae Variant Classification Sherloc (09022015). Collection method: clinical testing. Allele origin: germline.
Comment: This sequence change replaces serine, which is neutral and polar, with alanine, which is neutral and non-polar, at codon 201 of the GLA protein (p.Ser201Ala). This variant is present in population databases (rs782164447, gnomAD 0.04%). This variant has not been reported in the literature in individuals affected with GLA-related conditions. ClinVar contains an entry for this variant (Variation ID: 927590). Invitae Evidence Modeling of protein sequence and biophysical properties (such as structural, functional, and spatial information, amino acid conservation, physicochemical variation, residue mobility, and thermodynamic stability) indicates that this missense variant is not expected to disrupt GLA protein function with a negative predictive value of 80%. This variant disrupts the p.Ser201 amino acid residue in GLA. Other variant(s) that disrupt this residue have been observed in individuals with GLA-related conditions (PMID: 16595074), which suggests that this may be a clinically significant amino acid residue. In summary, the available evidence is currently insufficient to determine the role of this variant in disease. Therefore, it has been classified as a Variant of Uncertain Significance.

Ambry Genetics
Classification: Uncertain significance for Cardiovascular phenotype. Last evaluated: 2024-04-02. Review status: criteria provided, single submitter. Criteria: Ambry Variant Classification Scheme 2023. Collection method: clinical testing. Allele origin: germline.
Comment: The p.S201A variant (also known as c.601T>G), located in coding exon 4 of the GLA gene, results from a T to G substitution at nucleotide position 601. The serine at codon 201 is replaced by alanine, an amino acid with similar properties. This amino acid position is highly conserved in available vertebrate species. In addition, this alteration is predicted to be deleterious by in silico analysis. Based on data from gnomAD, the G allele has an overall frequency of 0.0028% (5/181798) total alleles studied, with 4 hemizygote(s) observed. The highest observed frequency was 0.0361% (5/13841) of East Asian alleles. Based on the available evidence, the clinical significance of this alteration remains unclear.

CHEO Genetics Diagnostic Laboratory, Children's Hospital of Eastern Ontario
Classification: Uncertain significance for Cardiomyopathy. Last evaluated: 2022-11-29. Review status: criteria provided, single submitter. Criteria: ACMG Guidelines, 2015. Collection method: clinical testing. Allele origin: germline.

Literature cited by the submitters: PubMed 37441486 (cited by Genomenon, Inc); PubMed 16595074 (cited by Labcorp Genetics (formerly Invitae), Labcorp).

NM_000169.3(GLA):c.601T>G (p.Ser201Ala)

Genes: RPL36A-HNRNPH2 (RPL36A-HNRNPH2 readthrough; plus strand), GLA (galactosidase alpha; minus strand). Cytogenetic location: Xq22.1.
Variant type: single nucleotide variant.
Coding change: c.601T>G on transcript NM_000169.3 (MANE Select); coding-DNA position 601, T replaced by G.
Protein change: p.Ser201Ala; replaces serine 201 with alanine.
Molecular consequence: missense variant. On other transcripts: non-coding transcript variant (2), intron variant (2).
Genome position (GRCh38, 1-based): chrX:101,400,704, A>C on the plus strand (T>G on the coding strand, the complement: GLA is on the minus strand). VCF-style: chrX-101400704-A-C. GRCh37 (hg19) VCF-style: chrX-100655692-A-C.
Other names: c.300+5247A>C (NM_001199973.2); c.177+8882A>C (NM_001199974.2); c.724T>G, p.Ser242Ala (NM_001406747.1); c.601T>G, p.Ser201Ala (NM_001406748.1); short protein forms S201A, S242A.
Identifiers: ClinVar variation 927590 (VCV000927590.13), dbSNP rs782164447, ClinGen allele CA031514.
Genomic context (GRCh38, chrX:101,400,704, plus strand): 5'-GATTCTGGGCTCACTATCTCACCTTTTGAAAGGGCCACATATAAAGAGGCCACTCACAGG[A>C]GTACACAATGCTTCTGCCAGTCCTATTCAGGGCCAAGGACATGTGCTTATAACCTGTATG-3'
Protein context (NP_000160.1, residues 191-211): LNRTGRSIVY[Ser201Ala]CEWPLYMWPF